The following is an entry in ClinVar:

NM_017617.5(NOTCH1):c.4426G>A (p.Gly1476Ser)

Gene: NOTCH1 (notch receptor 1; minus strand). Cytogenetic location: 9q34.3.
Variant type: single nucleotide variant.
Coding change: c.4426G>A on transcript NM_017617.5 (MANE Select); coding-DNA position 4426, G replaced by A.
Protein change: p.Gly1476Ser; replaces glycine 1476 with serine.
Molecular consequence: missense variant.
Genome position (GRCh38, 1-based): chr9:136,505,470, C>T on the plus strand (G>A on the coding strand, the complement: NOTCH1 is on the minus strand). VCF-style: chr9-136505470-C-T. GRCh37 (hg19) VCF-style: chr9-139399922-C-T.
Other names: c.4426G>A, p.Gly1476Ser (LRG_1122t1); short protein forms G1476S.
Identifiers: ClinVar variation 451092 (VCV000451092.13), dbSNP rs776133530, ClinGen allele CA5340616.

ClinVar aggregate classification (germline): Conflicting classifications of pathogenicity. Review status: criteria provided, conflicting classifications (1 of 4 stars). 4 submissions from 4 submitters: Uncertain significance (3); Benign (1). Last evaluated 2025-09-21.

Conditions:
Adams-Oliver syndrome 5 (AOS5). Identifiers: Orphanet 974, MedGen C4014970, MONDO:0014459, OMIM 616028.
Familial thoracic aortic aneurysm and aortic dissection (TAAD). Also called: Thoracic aortic aneurysms and dissections. Identifiers: Orphanet 91387, MedGen C4707243, MONDO:0019625.

Allele frequency attached by ClinVar (database versions not stated): gnomAD exomes 0.00002 and 0.00003; ExAC 0.00003; gnomAD 0.00003 and 0.00004; TOPMed 0.00003.
gnomAD v4.1: 38 of 1,612,740 alleles (0.0024%); highest among the groups gnomAD compares: African/African-American, 0.004%; no homozygotes.

Submissions (4):

Labcorp Genetics (formerly Invitae), Labcorp
Classification: Benign for Adams-Oliver syndrome 5. Last evaluated: 2025-09-21. Review status: criteria provided, single submitter. Criteria: Invitae Variant Classification Sherloc (09022015). Collection method: clinical testing. Allele origin: germline.

Ambry Genetics
Classification: Uncertain significance for Familial thoracic aortic aneurysm and aortic dissection. Last evaluated: 2024-11-26. Review status: criteria provided, single submitter. Criteria: Ambry Variant Classification Scheme 2023. Collection method: clinical testing. Allele origin: germline.
Comment: The p.G1476S variant (also known as c.4426G>A), located in coding exon 25 of the NOTCH1 gene, results from a G to A substitution at nucleotide position 4426. The glycine at codon 1476 is replaced by serine, an amino acid with similar properties. This variant has been reported in a control cohort (McBride KL et al. Hum Mol Genet, 2008 Sep;17:2886-93). This amino acid position is well conserved in available vertebrate species. In addition, the in silico prediction for this alteration is inconclusive. Based on the available evidence, the clinical significance of this variant remains unclear.

GeneDx
Classification: Uncertain significance. Last evaluated: 2022-08-12. Review status: criteria provided, single submitter. Criteria: GeneDx Variant Classification Process June 2021. Collection method: clinical testing. Allele origin: germline. Affected: yes.
Comment: Has been observed in the control population in a study of affected individuals with left ventricular outflow tract defects (LVOT) (McBride et al., 2008); In silico analysis supports that this missense variant has a deleterious effect on protein structure/function; This variant is associated with the following publications: (PMID: 18593716, 31289279)

CHEO Genetics Diagnostic Laboratory, Children's Hospital of Eastern Ontario
Classification: Uncertain significance for Familial thoracic aortic aneurysm and aortic dissection. Last evaluated: 2022-02-24. Review status: criteria provided, single submitter. Criteria: ACMG Guidelines, 2015. Collection method: clinical testing. Allele origin: germline.

Literature cited by the submitters: PubMed 18593716 (cited by Ambry Genetics).